The following is an entry in ClinVar:

NM_003764.4(STX11):c.127_133del (p.Ser43fs)

Gene: STX11 (syntaxin 11; plus strand). Cytogenetic location: 6q24.2.
Variant type: Deletion.
Coding change: c.127_133del on transcript NM_003764.4 (MANE Select); coding-DNA positions 127 to 133, 7 bases deleted (TCCCTGT; older notation c.127_133delTCCCTGT).
Protein change: p.Ser43fs; shifts the reading frame from serine 43.
Molecular consequence: frameshift variant.
Genome position (GRCh38, 1-based): chr6:144,186,754-144,186,760, TCCCTGT deleted. VCF-style (leftmost placement, unchanged base first): chr6-144186753-GTCCCTGT-G. GRCh37 (hg19) VCF-style: chr6-144507890-GTCCCTGT-G.
Other names: short protein forms S43fs.
Identifiers: ClinVar variation 2744743 (VCV002744743.3), dbSNP rs2533798819, ClinGen allele CA2697553777.

ClinVar aggregate classification (germline): Pathogenic (1 of 4 stars; one submission).

Conditions:
Familial hemophagocytic lymphohistiocytosis 4 (FHL4). Also called: STX11-Related Familial Hemophagocytic Lymphohistiocytosis (STX11-fHLH). Identifiers: Orphanet 540, MedGen C1863728, MONDO:0011336, OMIM 603552.

Submission:

Labcorp Genetics (formerly Invitae), Labcorp
Classification: Pathogenic for Familial hemophagocytic lymphohistiocytosis 4. Last evaluated: 2023-07-18. Review status: criteria provided, single submitter. Criteria: Invitae Variant Classification Sherloc (09022015). Collection method: clinical testing. Allele origin: germline.
Comment: This variant disrupts a region of the STX11 protein in which other variant(s) (p.Leu58Pro) have been determined to be pathogenic (PMID: 24459464, 26004995; Invitae). This suggests that this is a clinically significant region of the protein, and that variants that disrupt it are likely to be disease-causing. For these reasons, this variant has been classified as Pathogenic. This variant has not been reported in the literature in individuals affected with STX11-related conditions. This sequence change creates a premature translational stop signal (p.Ser43Thrfs*18) in the STX11 gene. While this is not anticipated to result in nonsense mediated decay, it is expected to disrupt the last 245 amino acid(s) of the STX11 protein. This variant is not present in population databases (gnomAD no frequency).

Literature cited by the submitters: PubMed 24459464; PubMed 26004995.